The following is an entry in ClinVar:

NM_000080.4(CHRNE):c.991C>T (p.Arg331Trp)

Gene: CHRNE (cholinergic receptor nicotinic epsilon subunit; minus strand). Cytogenetic location: 17p13.2.
Variant type: single nucleotide variant.
Coding change: c.991C>T on transcript NM_000080.4 (MANE Select); coding-DNA position 991, C replaced by T.
Protein change: p.Arg331Trp; replaces arginine 331 with tryptophan.
Molecular consequence: missense variant.
Genome position (GRCh38, 1-based): chr17:4,899,509, G>A on the plus strand (C>T on the coding strand, the complement: CHRNE is on the minus strand). VCF-style: chr17-4899509-G-A. GRCh37 (hg19) VCF-style: chr17-4802804-G-A.
Other names: R311W; c.991C>T, p.Arg331Trp (LRG_1254t1); short protein forms R331W.
Identifiers: ClinVar variation 18358 (VCV000018358.19), dbSNP rs121909515, ClinGen allele CA258176.
Genomic context (GRCh38, chr17:4,899,509, plus strand): 5'-CCGCCCCCTCCGCGCTTACGTGGCGCAGCCGCGGGGACATGGCGTGGGTGGTGGGCGTCC[G>A]CTGGGACACGTTGAGCACGATGACGCAATTCATGACAATGAGCGTGGCGACCACCATGAC-3'
Protein context (NP_000071.1, residues 321-341): NCVIVLNVSQ[Arg331Trp]TPTTHAMSPR

ClinVar aggregate classification (germline): Pathogenic/Likely pathogenic. Review status: criteria provided, multiple submitters, no conflicts (2 of 4 stars). 12 submissions from 12 submitters: Pathogenic (5); Likely pathogenic (6). 1 of the submissions does not count toward it. Last evaluated 2025-12-29.

Conditions:
CHRNE-related disorder. Also called: CHRNE-related condition.
Congenital myasthenic syndrome 4C (CMS4C). Also called: Myasthenic syndrome, congenital, associated with acetylcholine receptor deficiency. Identifiers: Orphanet 590, MedGen C1837091, MONDO:0012157, OMIM 608931.
Congenital myasthenic syndrome 4A. Also called: Myasthenic syndrome, congenital, 4a, slow-channel; CONGENITAL MYASTHENIC SYNDROME TYPE Ia1; MYASTHENIC SYNDROME, CONGENITAL, 4A, SLOW-CHANNEL, AUTOSOMAL RECESSIVE. Identifiers: Orphanet 590, MedGen C4225413, MONDO:0011600, OMIM 605809.
Congenital myasthenic syndrome 4B. Also called: Myasthenic syndrome, congenital, 4b, fast-channel. Identifiers: Orphanet 590, MedGen C4225369, MONDO:0014586, OMIM 616324.
Congenital myasthenic syndrome (CMS). Also called: Congenital Myasthenic Syndromes. Identifiers: Orphanet 590, MedGen C0751882, MeSH D020294, MONDO:0018940.

gnomAD v4.1: 14 of 1,603,694 alleles (0.00087%); highest among the groups gnomAD compares: African/African-American, 0.0013%; no homozygotes.

Submissions (12):

3billion
Classification: Pathogenic for CHRNE-related disorder. Last evaluated: 2025-12-29. Review status: criteria provided, single submitter. Criteria: ACMG Guidelines, 2015. Collection method: clinical testing. Allele origin: germline. Affected: yes.
Comment: The variant is observed at an extremely low frequency in the gnomAD v4.1.0 dataset (total allele frequency: <0.001%). Predicted Consequence/Location: Missense variant. The majority of the known disease-causing variants of this gene are variants expected to result in premature termination of the protein. In silico tool predictions suggest damaging effect of the variant on gene or gene product [REVEL: 0.73 (>=0.6, sensitivity 0.68 and specificity 0.92)]. The same nucleotide change resulting in the same amino acid change has been previously reported as pathogenic/likely pathogenic with strong evidence (ClinVar ID: VCV000018358 /PMID: 9158150). A different missense change at the same codon (p.Arg331Gln) has been reported as pathogenic/likely pathogenic with strong evidence (ClinVar ID: VCV000641946). Therefore, this variant is classified as Pathogenic according to the recommendation of ACMG/AMP guideline.

Labcorp Genetics (formerly Invitae), Labcorp
Classification: Pathogenic for Congenital myasthenic syndrome 4A. Last evaluated: 2025-11-27. Review status: criteria provided, single submitter. Criteria: Invitae Variant Classification Sherloc (09022015). Collection method: clinical testing. Allele origin: germline.
Comment: This sequence change replaces arginine, which is basic and polar, with tryptophan, which is neutral and slightly polar, at codon 331 of the CHRNE protein (p.Arg331Trp). The frequency data for this variant in the population databases is considered unreliable, as metrics indicate poor data quality at this position in the gnomAD database. This missense change has been observed in individual(s) with autosomal recessive congenital myasthenic syndrome (PMID: 9158150, 32645605, 37721175). In at least one individual the data is consistent with being in trans (on the opposite chromosome) from a pathogenic variant. This variant is also known as R311W. ClinVar contains an entry for this variant (Variation ID: 18358). Invitae Evidence Modeling of protein sequence and biophysical properties (such as structural, functional, and spatial information, amino acid conservation, physicochemical variation, residue mobility, and thermodynamic stability) indicates that this missense variant is expected to disrupt CHRNE protein function with a positive predictive value of 95%. Experimental studies have shown that this missense change affects CHRNE function (PMID: 9158150). This variant disrupts the p.Arg331 amino acid residue in CHRNE. Other variant(s) that disrupt this residue have been determined to be pathogenic (PMID: 12417530). This suggests that this residue is clinically significant, and that variants that disrupt this residue are likely to be disease-causing. For these reasons, this variant has been classified as Pathogenic.

Natera, Inc.
Classification: Pathogenic for Congenital myasthenic syndrome. Last evaluated: 2025-09-04. Review status: criteria provided, single submitter. Criteria: Natera Variant Classification Schema (03/2026). Collection method: clinical testing. Allele origin: germline.
Comment: The c.991C>T variant in CHRNE is a missense variant predicted to cause substitution of arginine to tryptophan at amino acid 331. This variant is rare in the general population with a frequency below the threshold expected for the associated phenotype(s). This variant has been observed in one or more individuals affected with the associated recessive disease, as either homozygous or compound heterozygous with a second variant (PMID: 9158150, 10496269, 12453093, 37721175, 38964204). A different variant at the same position has been determined to be Pathogenic or Likely Pathogenic. Computational prediction algorithms indicate this variant is likely to affect gene or protein function. Given the available evidence, this variant is classified as Pathogenic.

Myriad Genetics, Inc.
Classification: Likely pathogenic for Congenital myasthenic syndrome. Last evaluated: 2025-08-29. Review status: criteria provided, single submitter. Criteria: Myriad Autosomal Dominant, Autosomal Recessive and X-Linked Classification Criteria (2023). Collection method: clinical testing. Allele origin: unknown.
Comment: NM_000080.3(CHRNE):c.991C>T(R331W) is a missense variant classified as likely pathogenic in the context of congenital myasthenic syndrome, CHRNE-related. R331W has been observed in cases with relevant disease (PMID: 9158150, 37721175, 10496269, 32645605, 12453093). Relevant functional assessments of this variant are available in the literature (PMID: 9158150). R331W has been observed in referenced population frequency databases. In summary, NM_000080.3(CHRNE):c.991C>T(R331W) is a missense variant that has been observed more frequently in cases with the relevant disease than in healthy populations. Please note: this variant was assessed in the context of healthy population screening.

Revvity Omics, Revvity
Classification: Pathogenic. Last evaluated: 2024-08-05. Review status: criteria provided, single submitter. Criteria: ACMG Guidelines, 2015. Collection method: clinical testing. Allele origin: germline.

Women's Health and Genetics/Laboratory Corporation of America, LabCorp
Classification: Pathogenic for Congenital myasthenic syndrome. Last evaluated: 2024-03-25. Review status: criteria provided, single submitter. Criteria: LabCorp Variant Classification Summary - May 2015. Collection method: clinical testing. Allele origin: germline.
Comment: Variant summary: CHRNE c.991C>T (p.Arg331Trp) results in a non-conservative amino acid change located in the Neurotransmitter-gated ion-channel transmembrane domain (IPR006029) of the encoded protein sequence. Four of four in-silico tools predict a damaging effect of the variant on protein function. The variant allele was found at a frequency of 4.3e-06 in 231394 control chromosomes. The variant, c.991C>T (aka. R311W) has been reported in the literature in multiple individuals affected with Congenital Myasthenic Syndrome (e.g. Ohno_1997, Ababneh_2020, Polavarapu_2024). These data indicate that the variant is likely to be associated with disease. At least one publication reported experimental evidence evaluating an impact on protein function, and demonstrated decreased expression, and altered channel kinetics for the variant protein (Ohno_1997). In addition, a different missense affecting the same amino acid (R331Q) is classified as pathogenic by our lab oratory [ClinVar variation ID 641946]. The following publications have been ascertained in the context of this evaluation (PMID: 10496269, 32645605, 37721175). ClinVar contains an entry for this variant (Variation ID: 18358). Based on the evidence outlined above, the variant was classified as pathogenic.

Fulgent Genetics
Classification: Likely pathogenic for Congenital myasthenic syndrome 4A; Congenital myasthenic syndrome 4C; Congenital myasthenic syndrome 4B. Last evaluated: 2024-03-22. Review status: criteria provided, single submitter. Criteria: ACMG Guidelines, 2015. Collection method: clinical testing. Allele origin: germline.

Baylor Genetics
Classification: Likely pathogenic for Congenital myasthenic syndrome 4A. Last evaluated: 2024-01-25. Review status: criteria provided, single submitter. Criteria: ACMG Guidelines, 2015. Collection method: clinical testing. Allele origin: unknown.

Neuberg Centre For Genomic Medicine, NCGM
Classification: Likely pathogenic for Congenital myasthenic syndrome 4B. Last evaluated: 2023-03-01. Review status: criteria provided, single submitter. Criteria: ACMG Guidelines, 2015. Collection method: clinical testing. Allele origin: germline. Inheritance: Autosomal recessive inheritance. Affected: yes.
Comment: The missense c.991C>T (p.Arg331Trp) variant in CHRNE gene has been reported in homozygous and compound heterozygous state in individualsaffected with congenital myasthenic syndrome (Ababneh NA, Al-Kurdi et al. 2020; Ealing J et al. 2002). The p.Arg331Trp variant has allele frequency 0.0004% in gnomAD Exomes and is novel (not in any individuals) in 1000 Genomes. This variant has been reported to the ClinVar database as Likely Pathogenic (multiple submitters). The amino acid change p.Arg331Trp in CHRNE is predicted as conserved by PhyloP across 100 vertebrates. The amino acid Arg at position 331 is changed to a Trp changing protein sequence and it might alter its composition and physico-chemical properties. For these reasons, this variant has been classified as Likely Pathogenic.

Athena Diagnostics
Classification: Likely pathogenic. Last evaluated: 2018-06-05. Review status: criteria provided, single submitter. Criteria: Athena Diagnostics Criteria. Collection method: clinical testing. Allele origin: germline.

Juno Genomics, Hangzhou Juno Genomics, Inc
Classification: Likely pathogenic for Congenital myasthenic syndrome 4A; Congenital myasthenic syndrome 4B; Congenital myasthenic syndrome 4C. Review status: criteria provided, single submitter. Criteria: ACMG Guidelines, 2015. Collection method: clinical testing. Allele origin: germline.
Comment: Absent from controls (or at extremely low frequency if recessive) in Genome Aggregation Database.;Well-established in vitro or in vivo functional studies supportive of a damaging effect on the gene or gene product.;Novel missense change at an amino acid residue where a different missense change determined to be pathogenic has been seen before.;For recessive disorders, detected in trans with a pathogenic variant.;Patient's phenotype or family history is highly specific for a disease with a single genetic etiology.

OMIM
Classification: Pathogenic for MYASTHENIC SYNDROME, CONGENITAL, 4C, ASSOCIATED WITH ACETYLCHOLINE RECEPTOR DEFICIENCY. Last evaluated: 1996-07-01. Review status: no assertion criteria provided. Collection method: literature only. Allele origin: germline. Not counted in ClinVar's aggregate classification.

Literature cited by the submitters: PubMed 9158150 (cited by 5 submitters); PubMed 32645605 (cited by 3 submitters); PubMed 37721175 (cited by 4 submitters); PubMed 12417530 (cited by Labcorp Genetics (formerly Invitae), Labcorp); PubMed 10496269 (cited by 3 submitters); PubMed 12453093 (cited by Natera, Inc. and Myriad Genetics, Inc.); PubMed 38964204 (cited by Natera, Inc.); PubMed 8755487 (cited by OMIM).